The following is an entry in ClinVar:

ClinVar aggregate classification (germline): Uncertain significance. Review status: criteria provided, multiple submitters, no conflicts (2 of 4 stars). 3 submissions from 3 submitters: Uncertain significance (2). 1 of the submissions does not count toward it. Last evaluated 2025-12-25.

Conditions:
Microcephalic osteodysplastic primordial dwarfism type II (MOPD2). Also called: Microcephalic osteodysplastic primordial dwarfism with tooth abnormalities; MOPD II; OSTEODYSPLASTIC PRIMORDIAL DWARFISM, TYPE II. Identifiers: Orphanet 2637, MedGen C0432246, MONDO:0008872, OMIM 210720.
PCNT-related disorder. Also called: PCNT-related condition.

Allele frequency attached by ClinVar (database versions not stated): gnomAD below 0.00001 and 0.00001; TOPMed 0.00002; ExAC 0.00003; gnomAD exomes 0.00003.
gnomAD v4.1: 40 of 1,613,784 alleles (0.0025%); highest among the groups gnomAD compares: South Asian, 0.038%; no homozygotes.

Submissions (3):

Labcorp Genetics (formerly Invitae), Labcorp
Classification: Uncertain significance. Last evaluated: 2025-12-25. Review status: criteria provided, single submitter. Criteria: Invitae Variant Classification Sherloc (09022015). Collection method: clinical testing. Allele origin: germline.
Comment: This sequence change replaces arginine, which is basic and polar, with cysteine, which is neutral and slightly polar, at codon 195 of the PCNT protein (p.Arg195Cys). This variant is present in population databases (rs199564971, gnomAD 0.02%). This variant has not been reported in the literature in individuals affected with PCNT-related conditions. ClinVar contains an entry for this variant (Variation ID: 897156). An algorithm developed to predict the effect of missense changes on protein structure and function (PolyPhen-2) suggests that this variant is likely to be tolerated. In summary, the available evidence is currently insufficient to determine the role of this variant in disease. Therefore, it has been classified as a Variant of Uncertain Significance.

Illumina Laboratory Services, Illumina
Classification: Uncertain significance for Microcephalic osteodysplastic primordial dwarfism type II. Last evaluated: 2018-01-13. Review status: criteria provided, single submitter. Criteria: ICSL Variant Classification Criteria 13 December 2019. Collection method: clinical testing. Allele origin: germline.

PreventionGenetics, part of Exact Sciences
Classification: Uncertain significance for PCNT-related condition. Last evaluated: 2024-09-11. Review status: no assertion criteria provided. Collection method: clinical testing. Allele origin: germline. Not counted in ClinVar's aggregate classification.
Comment: The PCNT c.583C>T variant is predicted to result in the amino acid substitution p.Arg195Cys. To our knowledge, this variant has not been reported in the literature. This variant is reported in 0.023% of alleles in individuals of South Asian descent in gnomAD. At this time, the clinical significance of this variant is uncertain due to the absence of conclusive functional and genetic evidence.

NM_006031.6(PCNT):c.583C>T (p.Arg195Cys)

Gene: PCNT (pericentrin; plus strand). Cytogenetic location: 21q22.3.
Variant type: single nucleotide variant.
Coding change: c.583C>T on transcript NM_006031.6 (MANE Select); coding-DNA position 583, C replaced by T.
Protein change: p.Arg195Cys; replaces arginine 195 with cysteine.
Molecular consequence: missense variant.
Genome position (GRCh38, 1-based): chr21:46,334,712, C>T. VCF-style: chr21-46334712-C-T. GRCh37 (hg19) VCF-style: chr21-47754626-C-T.
Other names: c.229C>T, p.Arg77Cys (NM_001315529.2); short protein forms R77C, R195C.
Identifiers: ClinVar variation 897156 (VCV000897156.7), dbSNP rs199564971, ClinGen allele CA10078304.